The following is an entry in ClinVar:

NM_001171613.2(PREPL):c.604C>T (p.Leu202Phe)

Gene: PREPL (prolyl endopeptidase like; minus strand). Cytogenetic location: 2p21.
Variant type: single nucleotide variant.
Coding change: c.604C>T on transcript NM_001171613.2 (MANE Select); coding-DNA position 604, C replaced by T.
Protein change: p.Leu202Phe; replaces leucine 202 with phenylalanine.
Molecular consequence: missense variant.
Genome position (GRCh38, 1-based): chr2:44,339,245, G>A on the plus strand (C>T on the coding strand, the complement: PREPL is on the minus strand). VCF-style: chr2-44339245-G-A. GRCh37 (hg19) VCF-style: chr2-44566384-G-A.
Other names: c.871C>T, p.Leu291Phe (NM_001042385.2, NM_001042386.2, NM_001171603.1 and 4 more transcripts); c.604C>T, p.Leu202Phe (NM_001171617.1, NM_001374277.1); short protein forms L291F, L202F.
Identifiers: ClinVar variation 1398273 (VCV001398273.5), dbSNP rs147910302, ClinGen allele CA1641411.
Genomic context (GRCh38, chr2:44,339,245, plus strand): 5'-ATAATTCATCATCTCTGTGTTCAACATAGTAAAGGACCCCATGTATTCGCTTCTGGATAA[G>A]TACTGGTGGGTCCCAAGGGCTCAGGCCATCTATCAACCACACTTCAGAAGTAGTCTTGTT-3'
Protein context (NP_001165084.1, residues 192-212): DGLSPWDPPV[Leu202Phe]IQKRIHGVLY

ClinVar aggregate classification (germline): Uncertain significance. Review status: criteria provided, multiple submitters, no conflicts (2 of 4 stars). 2 submissions from 2 submitters: Uncertain significance (2). Last evaluated 2025-04-13.

Conditions:
Inborn genetic diseases. Identifiers: MedGen C0950123, MeSH D030342.
Myasthenic syndrome, congenital, 22 (CMS22). Also called: PREPL DEFICIENCY. Identifiers: MedGen C4479088, MONDO:0044299, OMIM 616224.

Allele frequency attached by ClinVar (database versions not stated): ExAC 0.00002; gnomAD 0.00004; TOPMed 0.00004; gnomAD exomes below 0.00001 and 0.00001; ESP Exome Variant Server 0.00008.

Submissions (2):

Ambry Genetics
Classification: Uncertain significance for Inborn genetic diseases. Last evaluated: 2025-04-13. Review status: criteria provided, single submitter. Criteria: Ambry Variant Classification Scheme 2023. Collection method: clinical testing. Allele origin: germline.

Labcorp Genetics (formerly Invitae), Labcorp
Classification: Uncertain significance for Myasthenic syndrome, congenital, 22. Last evaluated: 2022-07-19. Review status: criteria provided, single submitter. Criteria: Invitae Variant Classification Sherloc (09022015). Collection method: clinical testing. Allele origin: germline.
Comment: This sequence change replaces leucine, which is neutral and non-polar, with phenylalanine, which is neutral and non-polar, at codon 291 of the PREPL protein (p.Leu291Phe). This variant is present in population databases (rs147910302, gnomAD 0.007%). This variant has not been reported in the literature in individuals affected with PREPL-related conditions. ClinVar contains an entry for this variant (Variation ID: 1398273). Algorithms developed to predict the effect of missense changes on protein structure and function are either unavailable or do not agree on the potential impact of this missense change (SIFT: "Deleterious"; PolyPhen-2: "Probably Damaging"; Align-GVGD: "Class C0"). In summary, the available evidence is currently insufficient to determine the role of this variant in disease. Therefore, it has been classified as a Variant of Uncertain Significance.